The following is an entry in ClinVar:

ClinVar aggregate classification (germline): Uncertain significance. Review status: criteria provided, multiple submitters, no conflicts (2 of 4 stars). 2 submissions from 2 submitters: Uncertain significance (2). Last evaluated 2019-06-05.

Conditions:
Methylmalonic acidemia with homocystinuria, type cblJ (MAHCJ). Also called: METHYLMALONIC ACIDURIA AND HOMOCYSTINURIA, cblJ TYPE. Identifiers: Orphanet 369955, MedGen C3553915, MONDO:0013925, OMIM 614857.

Allele frequency attached by ClinVar (database versions not stated): TOPMed 0.00002.
gnomAD v4.1: 20 of 1,610,918 alleles (0.0012%); highest among the groups gnomAD compares: Middle Eastern, 0.033%; no homozygotes.

Submissions (2):

Labcorp Genetics (formerly Invitae), Labcorp
Classification: Uncertain significance for Methylmalonic acidemia with homocystinuria, type cblJ. Last evaluated: 2019-06-05. Review status: criteria provided, single submitter. Criteria: Invitae Variant Classification Sherloc (09022015). Collection method: clinical testing. Allele origin: germline.
Comment: In summary, the available evidence is currently insufficient to determine the role of this variant in disease. Therefore, it has been classified as a Variant of Uncertain Significance. Algorithms developed to predict the effect of missense changes on protein structure and function do not agree on the potential impact of this missense change (SIFT: "Tolerated"; PolyPhen-2: "Probably Damaging"; Align-GVGD: "Class C0"). This variant has not been reported in the literature in individuals with ABCD4-related disease. This variant is present in population databases (rs754370477, ExAC 0.004%). This sequence change replaces alanine with threonine at codon 545 of the ABCD4 protein (p.Ala545Thr). The alanine residue is highly conserved and there is a small physicochemical difference between alanine and threonine.

Breakthrough Genomics
Classification: Uncertain significance. Review status: criteria provided, single submitter. Criteria: ACMG Guidelines, 2015. Collection method: not provided. Allele origin: germline. Inheritance: Autosomal recessive inheritance. Affected: yes.

NM_005050.4(ABCD4):c.1633G>A (p.Ala545Thr)

Gene: ABCD4 (ATP binding cassette subfamily D member 4; minus strand). Cytogenetic location: 14q24.3.
Variant type: single nucleotide variant.
Coding change: c.1633G>A on transcript NM_005050.4 (MANE Select); coding-DNA position 1633, G replaced by A.
Protein change: p.Ala545Thr; replaces alanine 545 with threonine.
Molecular consequence: missense variant. On other transcripts: synonymous variant (1), non-coding transcript variant (10).
Genome position (GRCh38, 1-based): chr14:74,287,813, C>T on the plus strand (G>A on the coding strand, the complement: ABCD4 is on the minus strand). VCF-style: chr14-74287813-C-T. GRCh37 (hg19) VCF-style: chr14-74754516-C-T.
Other names: c.1507G>A, p.Ala503Thr (NM_001353591.2, NM_001353592.2); c.1372G>A, p.Ala458Thr (NM_001353593.2); c.1321G>A, p.Ala441Thr (NM_001353594.2); c.1219G>A, p.Ala407Thr (NM_001353595.2, NM_001353596.2); c.1168G>A, p.Ala390Thr (NM_001353597.2); c.1156G>A, p.Ala386Thr (NM_001353598.2, NM_001353599.2, NM_001353600.2 and 2 more transcripts); c.844G>A, p.Ala282Thr (NM_001353602.2, NM_001353603.2, NM_001353604.2 and 5 more transcripts); c.900G>A, p.Thr300= (NM_001353610.2); and 1 more; short protein forms A282T, A458T, A503T, A386T, A441T, A407T, A390T, A545T.
Identifiers: ClinVar variation 934796 (VCV000934796.10), dbSNP rs754370477, ClinGen allele CA7266669.